The following is an entry in ClinVar:

NM_000018.4(ACADVL):c.1072A>G (p.Lys358Glu)

Gene: ACADVL (acyl-CoA dehydrogenase very long chain; plus strand). Cytogenetic location: 17p13.1.
Variant type: single nucleotide variant.
Coding change: c.1072A>G on transcript NM_000018.4 (MANE Select); coding-DNA position 1072, A replaced by G.
Protein change: p.Lys358Glu; replaces lysine 358 with glutamic acid.
Molecular consequence: missense variant.
Genome position (GRCh38, 1-based): chr17:7,222,860, A>G. VCF-style: chr17-7222860-A-G. GRCh37 (hg19) VCF-style: chr17-7126179-A-G.
Other names: NM_001270448.2:c.844A>G; c.1006A>G, p.Lys336Glu (NM_001033859.3); c.1141A>G, p.Lys381Glu (NM_001270447.2); c.844A>G, p.Lys282Glu (NM_001270448.2); short protein forms K358E, K282E, K336E, K381E.
Identifiers: ClinVar variation 2058739 (VCV002058739.6), dbSNP rs146589640, ClinGen allele CA8337932.
Genomic context (GRCh38, chr17:7,222,860, plus strand): 5'-AACAATGGAAGGTTTGGCATGGCTGCGGCCCTGGCAGGTACCATGAGAGGCATCATTGCT[A>G]AGGCGGTGAGTACCCTGCCCGAGTCCCTAGGTAACCCAAACAGAAGTCTCACTGTCCCCC-3'
Protein context (NP_000009.1, residues 348-368): LAGTMRGIIA[Lys358Glu]AVDHATNRTQ

ClinVar aggregate classification (germline): Uncertain significance. Review status: reviewed by expert panel (3 of 4 stars). 2 submissions from 2 submitters: Uncertain significance (1). 1 of the submissions does not count toward it. Last evaluated 2026-06-23.

Conditions:
Very long chain acyl-CoA dehydrogenase deficiency (ACADVLD). Also called: Very Long-Chain Acyl-Coenzyme A Dehydrogenase Deficiency; VLCAD Deficiency. Identifiers: Orphanet 26793, MedGen C3887523, MONDO:0008723, OMIM 201475.

Allele frequency attached by ClinVar (database versions not stated): gnomAD exomes below 0.00001; ExAC 0.00001; gnomAD 0.00001; TOPMed 0.00001; ESP Exome Variant Server 0.00008.
gnomAD v4.1: 7 of 1,611,448 alleles (0.00043%); highest among the groups gnomAD compares: Non-Finnish European, 0.00051%; no homozygotes.

Submissions (2):

ClinGen ACADVL Variant Curation Expert Panel, ClinGen
Classification: Uncertain significance for Very long chain acyl-CoA dehydrogenase deficiency. Last evaluated: 2026-06-23. Review status: reviewed by expert panel. Criteria: ClinGen ACADVL ACMG Specifications ACADVL V2.1. Collection method: curation. Allele origin: germline. Inheritance: Autosomal recessive inheritance.
Comment: The c.1072A>G variant in ACADVL is a missense variant predicted to cause substitution of lysine by glutamic acid at amino acid 358 (p.Lys356Glu). This variant has been reported twice as compound heterozygote with pathogenic variants (p.V283A and p.His181Profs*72) in patients with ACADVL deficiency (PMID: 25834949, 21932095, PM3). Both patients with this variant displayed reduced enzyme activity, which is highly specific for ACADVL deficiency (PP4_moderate). The highest population minor allele frequency in gnomAD v4.1.1 is 0.000005085 in European (non-Finnish) population, which is lower than the ClinGen ACADVL Variant Curation Expert Panel threshold (<0.001) for PM2_Supporting, meeting this criterion (PM2_Supporting). The computational predictor REVEL gives a score of 0.69, which is neither above nor below the thresholds predicting a damaging or benign impact on ACADVL function. ). In summary, this variant meets the criteria to be classified as variant of uncertain significance for autosomal recessive very long chain acyl-CoA dehydrogenase (VLCAD) deficiency based on the ACMG/AMP criteria applied, as specified by the ClinGen ACADVL Variant Curation Expert Panel: PM2_Supporting, PP4_Moderate, PM3. (ACADVL VCEP specifications version 2.1.0; approved September 4, 2025).

Labcorp Genetics (formerly Invitae), Labcorp
Classification: Pathogenic for Very long chain acyl-CoA dehydrogenase deficiency. Last evaluated: 2025-12-07. Review status: criteria provided, single submitter. Criteria: Invitae Variant Classification Sherloc (09022015). Collection method: clinical testing. Allele origin: germline. Not counted in ClinVar's aggregate classification.
Comment: This sequence change replaces lysine, which is basic and polar, with glutamic acid, which is acidic and polar, at codon 358 of the ACADVL protein (p.Lys358Glu). This variant is not present in population databases (gnomAD no frequency). This missense change has been observed in individual(s) with very long-chain acyl-CoA dehydrogenase deficiency (PMID: 21932095, 25834949). In at least one individual the data is consistent with being in trans (on the opposite chromosome) from a pathogenic variant. This variant is also known as p.K318E. ClinVar contains an entry for this variant (Variation ID: 2058739). Invitae Evidence Modeling of protein sequence and biophysical properties (such as structural, functional, and spatial information, amino acid conservation, physicochemical variation, residue mobility, and thermodynamic stability) indicates that this missense variant is not expected to disrupt ACADVL protein function with a negative predictive value of 80%. For these reasons, this variant has been classified as Pathogenic.

Literature cited by the submitters: PubMed 21932095 (cited by Labcorp Genetics (formerly Invitae), Labcorp); PubMed 25834949 (cited by Labcorp Genetics (formerly Invitae), Labcorp).